The following is an entry in ClinVar:

NM_000277.3(PAH):c.805A>C (p.Ile269Leu)

Gene: PAH (phenylalanine hydroxylase; minus strand). Cytogenetic location: 12q23.2.
Variant type: single nucleotide variant.
Coding change: c.805A>C on transcript NM_000277.3 (MANE Select); coding-DNA position 805, A replaced by C.
Protein change: p.Ile269Leu; replaces isoleucine 269 with leucine.
Molecular consequence: missense variant.
Genome position (GRCh38, 1-based): chr12:102,852,852, T>G on the plus strand (A>C on the coding strand, the complement: PAH is on the minus strand). VCF-style: chr12-102852852-T-G. GRCh37 (hg19) VCF-style: chr12-103246630-T-G.
Other names: NM_000277.1(PAH):c.805A>C; c.805A>C, p.Ile269Leu (NM_001354304.2); c.805A>C (NM_000277.2); short protein forms I269L.
Identifiers: ClinVar variation 102842 (VCV000102842.44), dbSNP rs62508692, ClinGen allele CA229775.

ClinVar aggregate classification (germline): Pathogenic. Review status: reviewed by expert panel (3 of 4 stars). 15 submissions from 15 submitters: Pathogenic (1). 14 of the submissions do not count toward it. Last evaluated 2018-12-10.

Conditions:
PAH-related disorder. Also called: PAH-related condition.
Phenylketonuria (PKU). Also called: Phenylketonuria (PKU); FOLLING DISEASE; OLIGOPHRENIA PHENYLPYRUVICA; Phenylketonurias. Identifiers: Orphanet 716, MedGen C0031485, MONDO:0009861, OMIM 261600. Disease mechanism: loss of function.

Allele frequency attached by ClinVar (database versions not stated): TOPMed 0.00013.
gnomAD v4.1: 326 of 1,613,910 alleles (0.02%); highest among the groups gnomAD compares: Non-Finnish European, 0.026%; no homozygotes.

Submissions (15):

ClinGen PAH Variant Curation Expert Panel
Classification: Pathogenic for Phenylketonuria. Last evaluated: 2018-12-10. Review status: reviewed by expert panel. Criteria: ClinGen PAH ACMG Specifications v1. Collection method: curation. Allele origin: germline. Inheritance: Autosomal recessive inheritance.
Comment: The c.805A>C (p.Ile269Leu) variant in PAH has been reported in multiple individuals with PAH deficiency, including non-PKU HPA (BH4 deficiency excluded). (PP4_Moderate; PMID10767174, PMID 2350059). This variant has an extremely low allele frequency in ExAC and gnomAD (PM2; ENF=0.00013). This variant was detected in trans with multiple known pathogenic variants: PMID 9521426: c.842+3G>C; PMID 10767174: R261X; PMID 14726806: E280K; PMID 21871829: IVS10-11G>A (PM3_Very-strong). Computational prediction tools and conservation analysis suggest this variant may impact the protein (PP3). In summary, this variant meets criteria to be classified as pathogenic for PAH. PAH-specific ACMG/AMP criteria applied: PM3_Very-strong, PP4_Moderate, PM2, PP3.

Labcorp Genetics (formerly Invitae), Labcorp
Classification: Pathogenic for Phenylketonuria. Last evaluated: 2026-01-17. Review status: criteria provided, single submitter. Criteria: Invitae Variant Classification Sherloc (09022015). Collection method: clinical testing. Allele origin: germline. Not counted in ClinVar's aggregate classification.
Comment: This sequence change replaces isoleucine, which is neutral and non-polar, with leucine, which is neutral and non-polar, at codon 269 of the PAH protein (p.Ile269Leu). This variant is present in population databases (rs62508692, gnomAD 0.02%). This missense change has been observed in individual(s) with hyperphenylalaninemia (PMID: 9521426, 14726806, 21871829, 23500595). ClinVar contains an entry for this variant (Variation ID: 102842). Invitae Evidence Modeling of protein sequence and biophysical properties (such as structural, functional, and spatial information, amino acid conservation, physicochemical variation, residue mobility, and thermodynamic stability) indicates that this missense variant is not expected to disrupt PAH protein function with a negative predictive value of 80%. For these reasons, this variant has been classified as Pathogenic.

PreventionGenetics, part of Exact Sciences
Classification: Pathogenic for PAH-related condition. Last evaluated: 2025-12-15. Review status: criteria provided, single submitter. Criteria: ACMG Guidelines, 2015. Collection method: clinical testing. Allele origin: germline. Not counted in ClinVar's aggregate classification.
Comment: The PAH c.805A>C variant is predicted to result in the amino acid substitution p.Ile269Leu. This variant has been reported in the compound heterozygous state in individuals with non-PKU hyperphenylalaninemia (Bosco et al 1998. PubMed ID: 9521426; Rivera et al. 2000. PubMed ID: 10767174; Reblova et al 2013. PubMed ID: 23357515; Couce et al 2013. PubMed ID: 23500595; Aldámiz-Echevarría L et al 2016. PubMed ID: 27121329). This variant is reported in 0.023% of alleles in individuals of Latino descent in gnomAD and is interpreted as pathogenic by the ClinGen PAH Variant Curation Expert Panel and other outside laboratories (Variation ID: 102842). We also interpret this variant as pathogenic.

Natera, Inc.
Classification: Pathogenic for Phenylketonuria. Last evaluated: 2025-10-02. Review status: criteria provided, single submitter. Criteria: Natera Variant Classification Schema (03/2026). Collection method: clinical testing. Allele origin: germline. Not counted in ClinVar's aggregate classification.
Comment: The c.805A>C variant in PAH is a missense variant predicted to cause substitution of isoleucine to leucine at amino acid 269. This variant is rare in the general population with a frequency below the threshold expected for the associated phenotype(s). This variant has been observed in one or more individuals affected with the associated recessive disease, as either homozygous or compound heterozygous with a second variant (PMID: 17513426, 27121329). Given the available evidence, this variant is classified as Pathogenic.

GeneDx
Classification: Likely pathogenic. Last evaluated: 2025-09-28. Review status: criteria provided, single submitter. Criteria: GeneDx Variant Classification Process June 2021. Collection method: clinical testing. Allele origin: germline. Affected: yes. Not counted in ClinVar's aggregate classification.
Comment: Classified as responsive to tetrahydrobiopterin (BH4) therapy (PMID: 17935162); In silico analysis suggests that this missense variant does not alter protein structure/function; This variant is associated with the following publications: (PMID: 17924342, 10767174, 23357515, 34405919, 9521426, 17513426, 21871829, 23500595, 11708866, 14726806, 27121329, 32668217, 17935162, 9634518, 23942198, 24350308)

Blueprint Genetics
Classification: Pathogenic for PAH-related disorders. Last evaluated: 2024-02-22. Review status: criteria provided, single submitter. Criteria: ACMG Guidelines, 2015. Collection method: clinical testing. Allele origin: germline. Affected: yes. Observed: 4 variant alleles. Not counted in ClinVar's aggregate classification.

Laboratorio de Genetica e Diagnostico Molecular, Hospital Israelita Albert Einstein
Classification: Pathogenic for Phenylketonuria. Last evaluated: 2022-01-07. Review status: criteria provided, single submitter. Criteria: ACMG Guidelines, 2015. Collection method: clinical testing. Allele origin: germline. Affected: yes. Not counted in ClinVar's aggregate classification.
Comment: ACMG classification criteria: PS4 strong, PM2 moderate, PM3 very strong, PP3 supporting, PP4 moderate

Fulgent Genetics
Classification: Pathogenic for Phenylketonuria. Last evaluated: 2021-12-03. Review status: criteria provided, single submitter. Criteria: ACMG Guidelines, 2015. Collection method: clinical testing. Allele origin: unknown. Not counted in ClinVar's aggregate classification.

Revvity Omics, Revvity
Classification: Pathogenic for Phenylketonuria. Last evaluated: 2021-11-02. Review status: criteria provided, single submitter. Criteria: ACMG Guidelines, 2015. Collection method: clinical testing. Allele origin: germline. Not counted in ClinVar's aggregate classification.

Myriad Genetics, Inc.
Classification: Likely pathogenic for Phenylketonuria. Last evaluated: 2021-11-01. Review status: criteria provided, single submitter. Criteria: Myriad Women's Health Autosomal Recessive and X-Linked Classification Criteria (2021). Collection method: clinical testing. Allele origin: unknown. Not counted in ClinVar's aggregate classification.
Comment: NM_000277.1(PAH):c.805A>C(I269L) is a missense variant classified as likely pathogenic in the context of phenylalanine hydroxylase deficiency. Please note that the I269L variant can be associated with variant or non-PKU hyperphenylalaninemia. I269L has been observed in cases with relevant disease (PMID: 9521426, 14726806, 21871829, 23357515, 23942198, 24350308, 27121329). Functional assessments of this variant are available in the literature (Leandro_2001_(no PMID; article)). I269L has been observed in population frequency databases (gnomAD: AMR 0.02%). In summary, NM_000277.1(PAH):c.805A>C(I269L) is a missense variant that has been observed more frequently in cases with the relevant disease than in healthy populations. Please note: this variant was assessed in the context of healthy population screening.

Women's Health and Genetics/Laboratory Corporation of America, LabCorp
Classification: Pathogenic for Phenylketonuria. Last evaluated: 2020-07-20. Review status: criteria provided, single submitter. Criteria: LabCorp Variant Classification Summary - May 2015. Collection method: clinical testing. Allele origin: germline. Not counted in ClinVar's aggregate classification.
Comment: Variant summary: PAH c.805A>C (p.Ile269Leu) results in a conservative amino acid change located in the Aromatic amino acid hydroxylase, C-terminal domain of the encoded protein sequence. Three of five in-silico tools predict a damaging effect of the variant on protein function. The variant allele was found at a frequency of 9.2e-05 in 251364 control chromosomes (gnomAD). This frequency is not higher than expected for a pathogenic variant in PAH causing Phenylalanine Hydroxylase Deficiency (Phenylketonuria) (9.2e-05 vs 0.0079), allowing no conclusion about variant significance. c.805A>C has been reported in the literature in multiple individuals affected with Phenylalanine Hydroxylase Deficiency, including non-PKU hyperphenylalaninemia (e.g. Matalon_2004, Rivera_2011, Couce_2013, Reblova_2013). These data indicate that the variant is very likely to be associated with disease. In vitro studies demonstrated a moderate reduction in residual PAH activity (63%) as compared to wild type (Rivera_2011). Four ClinVar submitters including an expert panel (ClinGen PAH Variant Curation Expert Panel) (evaluation after 2014) cite the variant as pathogenic/likely pathogenic while, one ClinVar submitter (evaluation after 2014) cites the variant as uncertain significance. Based on the evidence outlined above, the variant was classified as pathogenic.

Illumina Laboratory Services, Illumina
Classification: Likely pathogenic for Phenylketonuria. Last evaluated: 2018-11-02. Review status: criteria provided, single submitter. Criteria: ICSL Variant Classification Criteria 09 May 2019. Collection method: clinical testing. Allele origin: germline. Not counted in ClinVar's aggregate classification.
Comment: The PAH c.805A>C (p.Ile269Leu) variant has been reported in three studies in which it is found in a total of five individuals, including one sibling pair, with non-phenylketonuria hyperphenylalaninemia (non-PKU HPA). The variant was found in four individuals in a compound heterozygous state and in one individual in cis with a second missense variant and in trans with a third missense variant (Bosco et al. 1998; Rivera et al. 2011; Reblova et al. 2013). Control data are unavailable for the p.Ile269Leu variant which is reported at a frequency of 0.000464 in the Other population of the Genome Aggregation Database. Leandro et al. (2001) showed that the p.Ile269Leu variant caused a moderate reduction in the specific activity of the PAH enzyme as compared to wild type, when expressed in a prokaryotic expression system. Based on the evidence, the p.Ile269Leu variant is classified as likely pathogenic for phenylalanine hydroxylase deficiency. This variant was observed by ICSL as part of a predisposition screen in an ostensibly healthy population.

Eurofins Ntd Llc (ga)
Classification: Pathogenic. Last evaluated: 2015-06-12. Review status: criteria provided, single submitter. Criteria: EGL Classification Definitions 2015. Collection method: clinical testing. Allele origin: germline. Observed: 3 variant alleles, 3 heterozygotes. Not counted in ClinVar's aggregate classification.

Elsea Laboratory, Baylor College of Medicine
Classification: Likely pathogenic for Phenylketonuria. Last evaluated: 2020-04-01. Review status: no assertion criteria provided. Collection method: clinical testing. Allele origin: germline. Affected: yes. Not counted in ClinVar's aggregate classification.

DeBelle Laboratory for Biochemical Genetics, MUHC/MCH RESEARCH INSTITUTE
No classification provided. Review status: no classification provided. Collection method: not provided. Allele origin: not provided. Not counted in ClinVar's aggregate classification.

Literature cited by the submitters: PubMed 14726806 (cited by 4 submitters); PubMed 10767174 (cited by ClinGen PAH Variant Curation Expert Panel); PubMed 21871829 (cited by 5 submitters); PubMed 9521426 (cited by 5 submitters); PubMed 23500595 (cited by Labcorp Genetics (formerly Invitae), Labcorp and Women's Health and Genetics/Laboratory Corporation of America, LabCorp); PubMed 17513426 (cited by Natera, Inc. and Eurofins Ntd Llc (ga)); PubMed 27121329 (cited by 3 submitters); PubMed 23357515 (cited by 3 submitters); PubMed 23942198 (cited by Myriad Genetics, Inc.); PubMed 24350308 (cited by Myriad Genetics, Inc.).